The following is an entry in ClinVar:

NM_001171.6(ABCC6):c.4459_4470del (p.Leu1487_Lys1490del)

Gene: ABCC6 (ATP binding cassette subfamily C member 6; minus strand). Cytogenetic location: 16p13.11.
Variant type: Deletion.
Coding change: c.4459_4470del on transcript NM_001171.6 (MANE Select); coding-DNA positions 4459 to 4470, 12 bases deleted (CTGGCCCAGAAG).
Protein change: p.Leu1487_Lys1490del.
Molecular consequence: inframe deletion. On other transcripts: non-coding transcript variant (1).
Genome position (GRCh38, 1-based): chr16:16,150,175-16,150,186, CTTCTGGGCCAG deleted on the plus strand (CTGGCCCAGAAG on the coding strand, the reverse complement: ABCC6 is on the minus strand); deleting any 12 consecutive bases within chr16:16,150,175-16,150,187 gives the same sequence; the c. name uses the placement nearest the transcript's 3' end. VCF-style (leftmost placement, unchanged base first): chr16-16150174-CCTTCTGGGCCAG-C. GRCh37 (hg19) VCF-style: chr16-16244031-CCTTCTGGGCCAG-C.
Other names: c.4117_4128del, p.Leu1373_Lys1376del (NM_001351800.1).
Identifiers: ClinVar variation 1431998 (VCV001431998.8), dbSNP rs1219230462, ClinGen allele CA621197307.
Genomic context (GRCh38, chr16:16,150,174, plus strand): 5'-TACGGTTGAGGGTCCTGGCTCAGACCAGGCCTGACTCCTGGGCCAGTCTGTAAAACAGGC[CCTTCTGGGCCAG>C]CAGCTGGGCCGGGCTGCCGCTCTCTGCCACCTGCCCCTTGTCCATGACCAGAACCCTGTG-3'

ClinVar aggregate classification (germline): Uncertain significance (1 of 4 stars; one submission).

Submission:

Labcorp Genetics (formerly Invitae), Labcorp
Classification: Uncertain significance. Last evaluated: 2021-02-17. Review status: criteria provided, single submitter. Criteria: Invitae Variant Classification Sherloc (09022015). Collection method: clinical testing. Allele origin: germline.
Comment: In summary, the available evidence is currently insufficient to determine the role of this variant in disease. Therefore, it has been classified as a Variant of Uncertain Significance. Experimental studies and prediction algorithms are not available or were not evaluated, and the functional significance of this variant is currently unknown. This variant has not been reported in the literature in individuals with ABCC6-related conditions. This variant is not present in population databases (ExAC no frequency). This variant, c.4459_4470del, results in the deletion of 4 amino acid(s) of the ABCC6 protein (p.Leu1487_Lys1490del), but otherwise preserves the integrity of the reading frame.